The following is an entry in ClinVar:

ClinVar aggregate classification (germline): Uncertain significance. Review status: criteria provided, multiple submitters, no conflicts (2 of 4 stars). 2 submissions from 2 submitters: Uncertain significance (2). Last evaluated 2025-11-01.

Conditions:
Hereditary cancer-predisposing syndrome. Also called: Hereditary neoplastic syndrome; Tumor predisposition; Neoplastic Syndromes, Hereditary; Hereditary Cancer Syndrome. Identifiers: Orphanet 140162, MedGen C0027672, MeSH D009386, MONDO:0015356.
Oligodontia-cancer predisposition syndrome. Also called: TOOTH AGENESIS-COLORECTAL CANCER SYNDROME. Identifiers: Orphanet 300576, MedGen C1837750, MONDO:0012075, OMIM 608615. Disease mechanism: loss of function.

Submissions (2):

Labcorp Genetics (formerly Invitae), Labcorp
Classification: Uncertain significance for Oligodontia-cancer predisposition syndrome. Last evaluated: 2025-11-01. Review status: criteria provided, single submitter. Criteria: Invitae Variant Classification Sherloc (09022015). Collection method: clinical testing. Allele origin: germline.
Comment: This sequence change replaces glutamic acid, which is acidic and polar, with valine, which is neutral and non-polar, at codon 402 of the AXIN2 protein (p.Glu402Val). This variant is not present in population databases (gnomAD no frequency). This variant has not been reported in the literature in individuals affected with AXIN2-related conditions. ClinVar contains an entry for this variant (Variation ID: 569455). Invitae Evidence Modeling of protein sequence and biophysical properties (such as structural, functional, and spatial information, amino acid conservation, physicochemical variation, residue mobility, and thermodynamic stability) indicates that this missense variant is expected to disrupt AXIN2 protein function with a positive predictive value of 80%. In summary, the available evidence is currently insufficient to determine the role of this variant in disease. Therefore, it has been classified as a Variant of Uncertain Significance.

Ambry Genetics
Classification: Uncertain significance for Hereditary cancer-predisposing syndrome. Last evaluated: 2024-09-19. Review status: criteria provided, single submitter. Criteria: Ambry Variant Classification Scheme 2023. Collection method: clinical testing. Allele origin: germline.
Comment: The p.E402V variant (also known as c.1205A>T), located in coding exon 5 of the AXIN2 gene, results from an A to T substitution at nucleotide position 1205. The glutamic acid at codon 402 is replaced by valine, an amino acid with dissimilar properties. This amino acid position is conserved. In addition, the in silico prediction for this alteration is inconclusive. Based on the available evidence, the clinical significance of this variant remains unclear.

NM_004655.4(AXIN2):c.1205A>T (p.Glu402Val)

Gene: AXIN2 (axin 2; minus strand). Cytogenetic location: 17q24.1.
Variant type: single nucleotide variant.
Coding change: c.1205A>T on transcript NM_004655.4 (MANE Select); coding-DNA position 1205, A replaced by T.
Protein change: p.Glu402Val; replaces glutamic acid 402 with valine.
Molecular consequence: missense variant.
Genome position (GRCh38, 1-based): chr17:65,537,831, T>A on the plus strand (A>T on the coding strand, the complement: AXIN2 is on the minus strand). VCF-style: chr17-65537831-T-A. GRCh37 (hg19) VCF-style: chr17-63533949-T-A.
Other names: c.1205A>T (LRG_296t1); c.1205A>T, p.Glu402Val (NM_001363813.1); short protein forms E402V.
Identifiers: ClinVar variation 569455 (VCV000569455.9), dbSNP rs1555578158, ClinGen allele CA400677968.